The following is an entry in ClinVar:

ClinVar aggregate classification (germline): Likely benign (1 of 4 stars; one submission).

Allele frequency attached by ClinVar (database versions not stated): gnomAD exomes below 0.00001.
gnomAD v4.1: 3 of 1,561,930 alleles (0.00019%); highest among the groups gnomAD compares: Non-Finnish European, 0.00018%; no homozygotes.

Submission:

CeGaT Center for Human Genetics Tuebingen
Classification: Likely benign. Last evaluated: 2022-05-01. Review status: criteria provided, single submitter. Criteria: CeGaT Center For Human Genetics Tuebingen Variant Classification Criteria Version 2. Collection method: clinical testing. Allele origin: germline. Affected: yes. Observed: 1 variant allele.
Comment: JAM2: PM2:Supporting, BP4, BP7

NM_021219.4(JAM2):c.606T>C (p.Asn202=)

Gene: JAM2 (junctional adhesion molecule 2; plus strand). Cytogenetic location: 21q21.3.
Variant type: single nucleotide variant.
Coding change: c.606T>C on transcript NM_021219.4 (MANE Select); coding-DNA position 606, T replaced by C.
Protein change: p.Asn202=; no amino-acid change (asparagine 202 retained).
Molecular consequence: synonymous variant. On other transcripts: non-coding transcript variant (1).
Genome position (GRCh38, 1-based): chr21:25,702,178, T>C. VCF-style: chr21-25702178-T-C. GRCh37 (hg19) VCF-style: chr21-27074490-T-C.
Other names: c.498T>C, p.Asn166= (NM_001270407.2); c.606T>C, p.Asn202= (NM_001270408.2).
Identifiers: ClinVar variation 2652573 (VCV002652573.24), dbSNP rs2516802140, ClinGen allele CA511686533.